The following is an entry in ClinVar:

ClinVar aggregate classification (germline): Uncertain significance. Review status: criteria provided, single submitter (1 of 4 stars). 2 submissions from 2 submitters: Uncertain significance (1). 1 of the submissions does not count toward it. Last evaluated 2025-03-30.

Conditions:
Duchenne muscular dystrophy (DMD). Also called: Duchenne Muscular Dystrophy (DMD); MUSCULAR DYSTROPHY, PSEUDOHYPERTROPHIC PROGRESSIVE, DUCHENNE TYPE. Identifiers: Orphanet 98896, MedGen C0013264, MONDO:0010679, OMIM 310200.
Dystrophin deficiency.
Becker muscular dystrophy (BMD). Also called: MUSCULAR DYSTROPHY, PSEUDOHYPERTROPHIC PROGRESSIVE, BECKER TYPE; Becker Muscular Dystrophy (BMD). Identifiers: Orphanet 98895, MedGen C0917713, MONDO:0010311, OMIM 300376.
Cardiomyopathy (CMYO). Also called: Cardiomyopathies. Identifiers: Orphanet 167848, MedGen C0878544, MONDO:0004994, HP:0001638. Inheritance: Various modes of inheritance.

Allele frequency attached by ClinVar (database versions not stated): TOPMed 0.00001.
gnomAD v4.1: 1 of 1,210,668 alleles (0.000083%); highest among the groups gnomAD compares: African/African-American, 0.0017%; no homozygotes.

Submissions (2):

Labcorp Genetics (formerly Invitae), Labcorp
Classification: Uncertain significance for Duchenne muscular dystrophy. Last evaluated: 2025-03-30. Review status: criteria provided, single submitter. Criteria: Invitae Variant Classification Sherloc (09022015). Collection method: clinical testing. Allele origin: germline.
Comment: This sequence change replaces glutamine, which is neutral and polar, with histidine, which is basic and polar, at codon 3050 of the DMD protein (p.Gln3050His). This variant is present in population databases (no rsID available, gnomAD 0.008%). This variant has not been reported in the literature in individuals affected with DMD-related conditions. ClinVar contains an entry for this variant (Variation ID: 861133). Invitae Evidence Modeling of protein sequence and biophysical properties (such as structural, functional, and spatial information, amino acid conservation, physicochemical variation, residue mobility, and thermodynamic stability) indicates that this missense variant is not expected to disrupt DMD protein function with a negative predictive value of 95%. In summary, the available evidence is currently insufficient to determine the role of this variant in disease. Therefore, it has been classified as a Variant of Uncertain Significance.

Natera, Inc.
Classification: Uncertain significance for Becker muscular dystrophy; Cardiomyopathy; Duchenne muscular dystrophy; Dystrophin deficiency. Last evaluated: 2020-07-24. Review status: no assertion criteria provided. Collection method: clinical testing. Allele origin: germline. Not counted in ClinVar's aggregate classification.

NM_004006.3(DMD):c.9150G>T (p.Gln3050His)

Gene: DMD (dystrophin; minus strand). Cytogenetic location: Xp21.2.
Variant type: single nucleotide variant.
Coding change: c.9150G>T on transcript NM_004006.3 (MANE Select); coding-DNA position 9150, G replaced by T.
Protein change: p.Gln3050His; replaces glutamine 3050 with histidine.
Molecular consequence: missense variant.
Genome position (GRCh38, 1-based): chrX:31,348,569, C>A on the plus strand (G>T on the coding strand, the complement: DMD is on the minus strand). VCF-style: chrX-31348569-C-A. GRCh37 (hg19) VCF-style: chrX-31366686-C-A.
Other names: c.9126G>T, p.Gln3042His (NM_000109.4); c.9138G>T, p.Gln3046His (NM_004009.3); c.8781G>T, p.Gln2927His (NM_004010.3); c.5127G>T, p.Gln1709His (NM_004011.4); c.5118G>T, p.Gln1706His (NM_004012.4); c.1770G>T, p.Gln590His (NM_004013.3, NM_004020.4, NM_004021.3 and 2 more transcripts); c.963G>T, p.Gln321His (NM_004014.3); short protein forms Q3046H, Q321H, Q590H, Q1706H, Q1709H, Q2927H, Q3042H, Q3050H.
Identifiers: ClinVar variation 861133 (VCV000861133.11), dbSNP rs1352900858, ClinGen allele CA412653630.